The following is an entry in ClinVar:

ClinVar aggregate classification (germline): Pathogenic (1 of 4 stars; one submission).

Submission:

Labcorp Genetics (formerly Invitae), Labcorp
Classification: Pathogenic. Last evaluated: 2024-01-24. Review status: criteria provided, single submitter. Criteria: Invitae Variant Classification Sherloc (09022015). Collection method: clinical testing. Allele origin: germline.
Comment: A gross deletion of the genomic region encompassing the full coding sequence of the OCA2 gene has been identified. Loss-of-function variants in OCA2 are known to be pathogenic (PMID: 19865097, 21541274). The boundaries of this event are unknown as they extend beyond the assayed region for this gene and therefore may encompass additional genes. Isolated whole-gene deletions of OCA2 have not been reported in the literature. However, larger copy number events that include this gene have been reported (PMID: 8421497, 24118800). For these reasons, this variant has been classified as Pathogenic.

Literature cited by the submitters: PubMed 19865097; PubMed 21541274; PubMed 8421497; PubMed 24118800.

NC_000015.9:g.(?_26792940)_(28544682_?)del

Genes: GABRA5 (gamma-aminobutyric acid type A receptor subunit alpha5; plus strand), GABRB3 (gamma-aminobutyric acid type A receptor subunit beta3; minus strand), GABRG3 (gamma-aminobutyric acid type A receptor subunit gamma3; plus strand), HERC2 (HECT and RLD domain containing E3 ubiquitin protein ligase 2; minus strand), OCA2 (OCA2 melanosomal transmembrane protein; minus strand). Cytogenetic location: 15q12-13.1.
Variant type: Deletion.
Identifiers: ClinVar variation 1456510 (VCV001456510.5).